The following is an entry in ClinVar:

ClinVar aggregate classification (germline): Pathogenic. Review status: criteria provided, multiple submitters, no conflicts (2 of 4 stars). 6 submissions from 6 submitters: Pathogenic (6). Last evaluated 2025-02-03.

Conditions:
Maple syrup urine disease type 1B (MSUD1B). Also called: MSUD type IB; MSUD type 3 (formerly); MSUD due to deficiency of e1-beta subunit of branched-chain alpha-keto acid dehydrogenase complex. Identifiers: MedGen C2930990, MONDO:0023692, OMIM 620698.
Maple syrup urine disease (MSUD). Identifiers: Orphanet 511, MedGen C0024776, MeSH D008375, MONDO:0009563. Disease mechanism: loss of function.

Allele frequency attached by ClinVar (database versions not stated): ExAC 0.00001; ESP Exome Variant Server 0.00008.
gnomAD v4.1: 8 of 1,609,824 alleles (0.0005%); highest among the groups gnomAD compares: East Asian, 0.0045%; no homozygotes.

Submissions (6):

Natera, Inc.
Classification: Pathogenic for Maple syrup urine disease type 1B. Last evaluated: 2025-02-03. Review status: criteria provided, single submitter. Criteria: Natera Variant Classification Schema (03/2026). Collection method: clinical testing. Allele origin: germline.
Comment: The c.331C>T variant in BCKDHB is a nonsense variant predicted to introduce a stop codon at amino acid 111. This variant is expected to result in nonsense mediated decay, truncation, or a dysfunctional protein product. This variant is rare in the general population with a frequency below the threshold expected for the associated phenotype(s). This variant has been observed in one or more individuals affected with the associated recessive disease, as either homozygous or compound heterozygous with a second variant (PMID: 22727569, 32193832). Given the available evidence, this variant is classified as Pathogenic.

Fulgent Genetics
Classification: Pathogenic for Maple syrup urine disease type 1B. Last evaluated: 2024-02-23. Review status: criteria provided, single submitter. Criteria: ACMG Guidelines, 2015. Collection method: clinical testing. Allele origin: germline.

Labcorp Genetics (formerly Invitae), Labcorp
Classification: Pathogenic for Maple syrup urine disease. Last evaluated: 2024-02-22. Review status: criteria provided, single submitter. Criteria: Invitae Variant Classification Sherloc (09022015). Collection method: clinical testing. Allele origin: germline.
Comment: This sequence change creates a premature translational stop signal (p.Arg111*) in the BCKDHB gene. It is expected to result in an absent or disrupted protein product. Loss-of-function variants in BCKDHB are known to be pathogenic (PMID: 16786533, 22593002). This variant is present in population databases (rs371117671, gnomAD 0.006%). This premature translational stop signal has been observed in individuals with maple syrup urine disease (PMID: 17922217, 22727569, 30228974). It has also been observed to segregate with disease in related individuals. ClinVar contains an entry for this variant (Variation ID: 928847). For these reasons, this variant has been classified as Pathogenic.

Genome-Nilou Lab
Classification: Pathogenic for Maple syrup urine disease type 1A. Last evaluated: 2021-11-07. Review status: criteria provided, single submitter. Criteria: ACMG Guidelines, 2015. Collection method: clinical testing. Allele origin: germline. Affected: no.

Women's Health and Genetics/Laboratory Corporation of America, LabCorp
Classification: Pathogenic for Maple syrup urine disease type 1B. Last evaluated: 2019-04-17. Review status: criteria provided, single submitter. Criteria: LabCorp Variant Classification Summary - May 2015. Collection method: clinical testing. Allele origin: germline.
Comment: Variant summary: BCKDHB c.331C>T (p.Arg111X) results in a premature termination codon, predicted to cause a truncation of the encoded protein or absence of the protein due to nonsense mediated decay, which are commonly known mechanisms for disease. The variant allele was found at a frequency of 8e-06 in 251014 control chromosomes (gnomAD). c.331C>T has been reported in the literature in multiple homozyougs and compound heterozygote individuals affected with Maple Syrup Urine Disease Type 1B (Flaschker_2007, Yang_2012, Ali_2018). These data indicate that the variant is very likely to be associated with disease. To our knowledge, no experimental evidence demonstrating an impact on protein function has been reported. No clinical diagnostic laboratories have submitted clinical-significance assessments for this variant to ClinVar after 2014. Based on the evidence outlined above, the variant was classified as pathogenic.

Juno Genomics, Hangzhou Juno Genomics, Inc
Classification: Pathogenic for Maple syrup urine disease type 1B. Review status: criteria provided, single submitter. Criteria: ACMG Guidelines, 2015. Collection method: clinical testing. Allele origin: germline. Affected: yes.
Comment: Absent from controls (or at extremely low frequency if recessive) in Genome Aggregation Database.;Null variant in a gene where loss of function (LOF) is a known mechanism of disease.;For recessive disorders, detected in trans with a pathogenic variant.;Patient's phenotype or family history is highly specific for a disease with a single genetic etiology.

Literature cited by the submitters: PubMed 22727569 (cited by 3 submitters); PubMed 32193832 (cited by Natera, Inc.); PubMed 16786533 (cited by Labcorp Genetics (formerly Invitae), Labcorp); PubMed 22593002 (cited by Labcorp Genetics (formerly Invitae), Labcorp); PubMed 17922217 (cited by Labcorp Genetics (formerly Invitae), Labcorp and Women's Health and Genetics/Laboratory Corporation of America, LabCorp); PubMed 30228974 (cited by Labcorp Genetics (formerly Invitae), Labcorp and Women's Health and Genetics/Laboratory Corporation of America, LabCorp).

NM_183050.4(BCKDHB):c.331C>T (p.Arg111Ter)

Gene: BCKDHB (branched chain keto acid dehydrogenase E1 subunit beta; plus strand). Cytogenetic location: 6q14.1.
Variant type: single nucleotide variant.
Coding change: c.331C>T on transcript NM_183050.4 (MANE Select); coding-DNA position 331, C replaced by T.
Protein change: p.Arg111Ter; replaces arginine 111 with a stop codon.
Molecular consequence: nonsense. On other transcripts: non-coding transcript variant (1).
Genome position (GRCh38, 1-based): chr6:80,129,217, C>T. VCF-style: chr6-80129217-C-T. GRCh37 (hg19) VCF-style: chr6-80838934-C-T.
Other names: c.331C>T, p.Arg111Ter (NM_000056.5); c.121C>T, p.Arg41Ter (NM_001318975.1); short protein forms R111*, R41*.
Identifiers: ClinVar variation 928847 (VCV000928847.20), dbSNP rs371117671, ClinGen allele CA3902576.